The following is an entry in ClinVar:

NM_138576.4(BCL11B):c.1131G>A (p.Pro377=)

Gene: BCL11B (BCL11 transcription factor B; minus strand). Cytogenetic location: 14q32.2.
Variant type: single nucleotide variant.
Coding change: c.1131G>A on transcript NM_138576.4 (MANE Select); coding-DNA position 1131, G replaced by A.
Protein change: p.Pro377=; no amino-acid change (proline 377 retained).
Molecular consequence: synonymous variant.
Genome position (GRCh38, 1-based): chr14:99,175,705, C>T on the plus strand (G>A on the coding strand, the complement: BCL11B is on the minus strand). VCF-style: chr14-99175705-C-T. GRCh37 (hg19) VCF-style: chr14-99642042-C-T.
Other names: c.1128G>A, p.Pro376= (NM_001282237.2); c.915G>A, p.Pro305= (NM_001282238.2); c.918G>A, p.Pro306= (NM_022898.3).
Identifiers: ClinVar variation 3771754 (VCV003771754.13).

ClinVar aggregate classification (germline): Likely benign (1 of 4 stars; one submission).

gnomAD v4.1: 15 of 1,500,828 alleles (0.001%); highest among the groups gnomAD compares: Admixed American, 0.0024%; no homozygotes.

Submission:

CeGaT Center for Human Genetics Tuebingen
Classification: Likely benign. Last evaluated: 2025-02-01. Review status: criteria provided, single submitter. Criteria: CeGaT Center For Human Genetics Tuebingen Variant Classification Criteria Version 2. Collection method: clinical testing. Allele origin: germline. Affected: yes. Observed: 1 variant allele.
Comment: BCL11B: BP4, BP7